The following is an entry in ClinVar:

ClinVar aggregate classification (germline): Uncertain significance. Review status: criteria provided, multiple submitters, no conflicts (2 of 4 stars). 2 submissions from 2 submitters: Uncertain significance (2). Last evaluated 2025-04-11.

Conditions:
X-linked severe combined immunodeficiency (SCIDX1). Also called: IMMUNODEFICIENCY 4; SCID, X-LINKED; SEVERE COMBINED IMMUNODEFICIENCY, X-LINKED, T CELL-NEGATIVE, B CELL-POSITIVE, NK CELL-NEGATIVE; T-B+ severe combined immunodeficiency due to gamma chain deficiency; X-Linked Combined Immunodeficiency Diseases. Identifiers: Orphanet 276, MedGen C6022468, MONDO:0010315, OMIM 300400. Disease mechanism: loss of function.

Submissions (2):

Labcorp Genetics (formerly Invitae), Labcorp
Classification: Uncertain significance for X-linked severe combined immunodeficiency. Last evaluated: 2025-04-11. Review status: criteria provided, single submitter. Criteria: Invitae Variant Classification Sherloc (09022015). Collection method: clinical testing. Allele origin: germline.
Comment: This sequence change replaces tryptophan, which is neutral and slightly polar, with arginine, which is basic and polar, at codon 155 of the IL2RG protein (p.Trp155Arg). This variant is not present in population databases (gnomAD no frequency). This variant has not been reported in the literature in individuals affected with IL2RG-related conditions. ClinVar contains an entry for this variant (Variation ID: 1368425). Invitae Evidence Modeling of protein sequence and biophysical properties (such as structural, functional, and spatial information, amino acid conservation, physicochemical variation, residue mobility, and thermodynamic stability) indicates that this missense variant is not expected to disrupt IL2RG protein function with a negative predictive value of 95%. In summary, the available evidence is currently insufficient to determine the role of this variant in disease. Therefore, it has been classified as a Variant of Uncertain Significance.

GeneDx
Classification: Uncertain significance. Last evaluated: 2025-04-03. Review status: criteria provided, single submitter. Criteria: GeneDx Variant Classification Process June 2021. Collection method: clinical testing. Allele origin: germline. Affected: yes.
Comment: Not observed at significant frequency in large population cohorts (gnomAD); In silico analysis supports that this missense variant has a deleterious effect on protein structure/function; Has not been previously published as pathogenic or benign to our knowledge

NM_000206.3(IL2RG):c.463T>A (p.Trp155Arg)

Gene: IL2RG (interleukin 2 receptor subunit gamma; minus strand). Cytogenetic location: Xq13.1.
Variant type: single nucleotide variant.
Coding change: c.463T>A on transcript NM_000206.3 (MANE Select); coding-DNA position 463, T replaced by A.
Protein change: p.Trp155Arg; replaces tryptophan 155 with arginine.
Molecular consequence: missense variant.
Genome position (GRCh38, 1-based): chrX:71,110,287, A>T on the plus strand (T>A on the coding strand, the complement: IL2RG is on the minus strand). VCF-style: chrX-71110287-A-T. GRCh37 (hg19) VCF-style: chrX-70330137-A-T.
Other names: c.463T>A (NM_000206.2); short protein forms W155R.
Identifiers: ClinVar variation 1368425 (VCV001368425.9), dbSNP rs2147749841, ClinGen allele CA413496495.